The following is an entry in ClinVar:

NM_000485.3(APRT):c.411C>T (p.Asn137=)

Gene: APRT (adenine phosphoribosyltransferase; minus strand). Cytogenetic location: 16q24.3.
Variant type: single nucleotide variant.
Coding change: c.411C>T on transcript NM_000485.3 (MANE Select); coding-DNA position 411, C replaced by T.
Protein change: p.Asn137=; no amino-acid change (asparagine 137 retained).
Molecular consequence: synonymous variant. On other transcripts: intron variant (1).
Genome position (GRCh38, 1-based): chr16:88,809,830, G>A on the plus strand (C>T on the coding strand, the complement: APRT is on the minus strand). VCF-style: chr16-88809830-G-A. GRCh37 (hg19) VCF-style: chr16-88876238-G-A.
Other names: c.401-124C>T (NM_001030018.2).
Identifiers: ClinVar variation 884719 (VCV000884719.36), dbSNP rs142472789, ClinGen allele CA8234372.

ClinVar aggregate classification (germline): Conflicting classifications of pathogenicity. Review status: criteria provided, conflicting classifications (1 of 4 stars). 4 submissions from 4 submitters: Uncertain significance (1); Likely benign (3). Last evaluated 2025-03-25.

Conditions:
APRT-related disorder. Also called: APRT-related condition.
Adenine phosphoribosyltransferase deficiency (APRTD). Also called: Urolithiasis, dha; APRT DEFICIENCY; NEPHROLITHIASIS, DHA; 2,8-dihydroxyadenine urolithiasis. Identifiers: Orphanet 976, MedGen C0268120, MONDO:0013869, OMIM 614723.

Allele frequency attached by ClinVar (database versions not stated): ESP Exome Variant Server 0.00008; gnomAD exomes 0.00009 and 0.00023; gnomAD 0.00018 and 0.00019; ExAC 0.00020; TOPMed 0.00020.

Submissions (4):

PreventionGenetics, part of Exact Sciences
Classification: Likely benign for APRT-related condition. Last evaluated: 2025-03-25. Review status: criteria provided, single submitter. Criteria: ACMG Guidelines, 2015. Collection method: clinical testing. Allele origin: germline.
Comment: This variant is classified as likely benign based on ACMG/AMP sequence variant interpretation guidelines (Richards et al. 2015 PMID: 25741868, with internal and published modifications).

Labcorp Genetics (formerly Invitae), Labcorp
Classification: Likely benign. Last evaluated: 2024-03-07. Review status: criteria provided, single submitter. Criteria: Invitae Variant Classification Sherloc (09022015). Collection method: clinical testing. Allele origin: germline.

CeGaT Center for Human Genetics Tuebingen
Classification: Likely benign. Last evaluated: 2022-08-01. Review status: criteria provided, single submitter. Criteria: CeGaT Center For Human Genetics Tuebingen Variant Classification Criteria Version 2. Collection method: clinical testing. Allele origin: germline. Affected: yes. Observed: 1 variant allele.
Comment: APRT: BP4, BP7

Illumina Laboratory Services, Illumina
Classification: Uncertain significance for Adenine phosphoribosyltransferase deficiency. Last evaluated: 2018-01-13. Review status: criteria provided, single submitter. Criteria: ICSL Variant Classification Criteria 13 December 2019. Collection method: clinical testing. Allele origin: germline.